The following is an entry in ClinVar:

ClinVar aggregate classification (germline): Conflicting classifications of pathogenicity. Review status: criteria provided, conflicting classifications (1 of 4 stars). 3 submissions from 3 submitters: Uncertain significance (1); Benign (1); Likely benign (1). Last evaluated 2026-06-23.

Conditions:
Smith-Magenis syndrome (SMS). Also called: CHROMOSOME 17p11.2 DELETION SYNDROME. Identifiers: Orphanet 819, MedGen C0795864, MONDO:0008434, OMIM 182290.
RAI1-related disorder. Also called: RAI1-related condition.

Allele frequency attached by ClinVar (database versions not stated): gnomAD exomes below 0.00001; gnomAD 0.00001.
gnomAD v4.1: 4 of 1,613,094 alleles (0.00025%); highest among the groups gnomAD compares: Admixed American, 0.0067%; no homozygotes.

Submissions (3):

PreventionGenetics, part of Exact Sciences
Classification: Likely benign for RAI1-related condition. Last evaluated: 2026-06-23. Review status: criteria provided, single submitter. Criteria: ACMG Guidelines, 2015. Collection method: clinical testing. Allele origin: germline.
Comment: This variant is classified as likely benign based on ACMG/AMP sequence variant interpretation guidelines (Richards et al. 2015 PMID: 25741868, with internal and published modifications).

Dasa
Classification: Uncertain significance for Smith-Magenis syndrome. Last evaluated: 2026-02-18. Review status: criteria provided, single submitter. Criteria: DASA Assertion Criteria. Collection method: clinical testing. Allele origin: germline.
Comment: NM_030665.4(RAI1):c.1340A>G (p.Asn447Ser) is a missense variant that results in the substitution of asparagine with serine. This variant is rare in population databases. The currently available literature and clinical evidence are not sufficient to establish a definitive association between this variant and the reported condition. Therefore, this variant is classified as a variant of uncertain significance.

Labcorp Genetics (formerly Invitae), Labcorp
Classification: Benign. Last evaluated: 2025-02-19. Review status: criteria provided, single submitter. Criteria: Invitae Variant Classification Sherloc (09022015). Collection method: clinical testing. Allele origin: germline.

NM_030665.4(RAI1):c.1340A>G (p.Asn447Ser)

Gene: RAI1 (retinoic acid induced 1; plus strand). Cytogenetic location: 17p11.2.
Variant type: single nucleotide variant.
Coding change: c.1340A>G on transcript NM_030665.4 (MANE Select); coding-DNA position 1340, A replaced by G.
Protein change: p.Asn447Ser; replaces asparagine 447 with serine.
Molecular consequence: missense variant.
Genome position (GRCh38, 1-based): chr17:17,794,288, A>G. VCF-style: chr17-17794288-A-G. GRCh37 (hg19) VCF-style: chr17-17697602-A-G.
Other names: c.1340A>G (NM_030665.3); short protein forms N447S.
Identifiers: ClinVar variation 1517451 (VCV001517451.9), dbSNP rs1159066427, ClinGen allele CA398547601.